The following is an entry in ClinVar:

NM_032634.4(PIGO):c.2039T>C (p.Leu680Pro)

Gene: PIGO (phosphatidylinositol glycan anchor biosynthesis class O; minus strand). Cytogenetic location: 9p13.3.
Variant type: single nucleotide variant.
Coding change: c.2039T>C on transcript NM_032634.4 (MANE Select); coding-DNA position 2039, T replaced by C.
Protein change: p.Leu680Pro; replaces leucine 680 with proline.
Molecular consequence: missense variant. On other transcripts: intron variant (2).
Genome position (GRCh38, 1-based): chr9:35,091,848, A>G on the plus strand (T>C on the coding strand, the complement: PIGO is on the minus strand). VCF-style: chr9-35091848-A-G. GRCh37 (hg19) VCF-style: chr9-35091845-A-G.
Other names: c.2039T>C (NM_032634.3); c.1345-557T>C (NM_152850.4, NM_001201484.2); short protein forms L680P.
Identifiers: ClinVar variation 1021480 (VCV001021480.7), dbSNP rs766592273, ClinGen allele CA5040518.

ClinVar aggregate classification (germline): Uncertain significance. Review status: criteria provided, multiple submitters, no conflicts (2 of 4 stars). 2 submissions from 2 submitters: Uncertain significance (2). Last evaluated 2025-08-19.

Conditions:
Hyperphosphatasia with impaired intellectual development syndrome 2. Also called: Hyperphosphatasia with intellectual disability syndrome 2; GLYCOSYLPHOSPHATIDYLINOSITOL BIOSYNTHESIS DEFECT 6. Identifiers: Orphanet 247262, MedGen C3553637, MONDO:0013882, OMIM 614749.
Inborn genetic diseases. Identifiers: MedGen C0950123, MeSH D030342.

Allele frequency attached by ClinVar (database versions not stated): TOPMed 0.00002; gnomAD 0.00001.
gnomAD v4.1: 25 of 1,613,996 alleles (0.0015%); highest among the groups gnomAD compares: Non-Finnish European, 0.0019%; no homozygotes.

Submissions (2):

Ambry Genetics
Classification: Uncertain significance for Inborn genetic diseases. Last evaluated: 2025-08-19. Review status: criteria provided, single submitter. Criteria: Ambry Variant Classification Scheme 2023. Collection method: clinical testing. Allele origin: germline.

Labcorp Genetics (formerly Invitae), Labcorp
Classification: Uncertain significance for Hyperphosphatasia with impaired intellectual development syndrome 2. Last evaluated: 2021-08-13. Review status: criteria provided, single submitter. Criteria: Invitae Variant Classification Sherloc (09022015). Collection method: clinical testing. Allele origin: germline.
Comment: This sequence change replaces leucine with proline at codon 680 of the PIGO protein (p.Leu680Pro). The leucine residue is moderately conserved and there is a moderate physicochemical difference between leucine and proline. This variant is present in population databases (rs766592273, ExAC 0.01%). This variant has not been reported in the literature in individuals affected with PIGO-related conditions. Algorithms developed to predict the effect of missense changes on protein structure and function are either unavailable or do not agree on the potential impact of this missense change (SIFT: "Tolerated"; PolyPhen-2: "Probably Damaging"; Align-GVGD: "Class C0"). In summary, the available evidence is currently insufficient to determine the role of this variant in disease. Therefore, it has been classified as a Variant of Uncertain Significance.